The following is an entry in ClinVar:

NM_000152.5(GAA):c.1544T>A (p.Met515Lys)

Gene: GAA (alpha glucosidase; plus strand). Cytogenetic location: 17q25.3.
Variant type: single nucleotide variant.
Coding change: c.1544T>A on transcript NM_000152.5 (MANE Select); coding-DNA position 1544, T replaced by A.
Protein change: p.Met515Lys; replaces methionine 515 with lysine.
Molecular consequence: missense variant.
Genome position (GRCh38, 1-based): chr17:80,110,833, T>A. VCF-style: chr17-80110833-T-A. GRCh37 (hg19) VCF-style: chr17-78084632-T-A.
Other names: c.1544T>A, p.Met515Lys (NM_001079803.3, NM_001079804.3, NM_001406741.1 and 1 more transcripts); short protein forms M515K.
Identifiers: ClinVar variation 4876604 (VCV004876604.1).
Genomic context (GRCh38, chr17:80,110,833, plus strand): 5'-CCCTGGCCTGGTGGGAGGACATGGTGGCTGAGTTCCATGACCAGGTGCCCTTCGACGGCA[T>A]GTGGATTGTAAGTGTGGCCCCCTCCTGAGCATCCCCAAGGCCTCTGGGGACTACCCCACC-3'
Protein context (NP_000143.2, residues 505-525): EFHDQVPFDG[Met515Lys]WIDMNEPSNF

ClinVar aggregate classification (germline): Uncertain significance (1 of 4 stars; one submission).

Conditions:
Glycogen storage disease, type II (IOPD). Also called: Pompe Disease; CARDIOMEGALIA GLYCOGENICA DIFFUSA; GLYCOGENOSIS, GENERALIZED, CARDIAC FORM; GSD II; POMPE DISEASE, INFANTILE-ONSET; GLYCOGEN STORAGE DISEASE II, INFANTILE-ONSET. Identifiers: Orphanet 365, MedGen C0017921, MONDO:0009290, OMIM 232300.

Submission:

Genomenon, Inc
Classification: Uncertain significance for Glycogen storage disease, type II. Last evaluated: 2026-07-01. Review status: criteria provided, single submitter. Criteria: Genomenon Sequence Variant Interpretation Standards - Updated. Collection method: curation. Allele origin: germline. Affected: yes.
Comment: GAA p.Met515Lys (c.1544T>A) is a missense variant that changes the amino acid at codon 515 from Methionine to Lysine. This variant has been observed in at least one proband with a GAA-related disorder in the compound heterozygous and/or homozygous state (PMID:24190153). It is absent or not present at a significant frequency in gnomAD. In silico models predict that this variant is possibly or probably damaging. In conclusion, we classify GAA p.Met515Lys (c.1544T>A) as a variant of uncertain significance.

Literature cited by the submitters: PubMed 24190153.